The following is an entry in ClinVar:

ClinVar aggregate classification (germline): Uncertain significance. Review status: criteria provided, multiple submitters, no conflicts (2 of 4 stars). 2 submissions from 2 submitters: Uncertain significance (2). Last evaluated 2024-02-22.

Conditions:
Neuropathy, hereditary sensory, type 2C. Also called: Hereditary sensory and autonomic neuropathy type IIC; KIF1A-Related HSAN2 (HSAN2C). Identifiers: Orphanet 970, MedGen C3280168, MONDO:0013634, OMIM 614213.
Intellectual disability, autosomal dominant 9 (NESCAVS). Also called: KIF1A-Related Neurodevelopmental Disorder; NESCAV SYNDROME. Identifiers: Orphanet 662367, MedGen C5393830, MONDO:0013656, OMIM 614255.
Hereditary spastic paraplegia 30. Identifiers: Orphanet 101010, MedGen C5235139, MONDO:0012476.

Submissions (2):

Labcorp Genetics (formerly Invitae), Labcorp
Classification: Uncertain significance for Hereditary spastic paraplegia 30; Neuropathy, hereditary sensory, type 2C; Intellectual disability, autosomal dominant 9. Last evaluated: 2024-02-22. Review status: criteria provided, single submitter. Criteria: Invitae Variant Classification Sherloc (09022015). Collection method: clinical testing. Allele origin: germline.
Comment: This sequence change replaces proline, which is neutral and non-polar, with leucine, which is neutral and non-polar, at codon 1071 of the KIF1A protein (p.Pro1071Leu). This variant is not present in population databases (gnomAD no frequency). This variant has not been reported in the literature in individuals affected with KIF1A-related conditions. ClinVar contains an entry for this variant (Variation ID: 948665). Advanced modeling of protein sequence and biophysical properties (such as structural, functional, and spatial information, amino acid conservation, physicochemical variation, residue mobility, and thermodynamic stability) performed at Invitae indicates that this missense variant is not expected to disrupt KIF1A protein function with a negative predictive value of 95%. In summary, the available evidence is currently insufficient to determine the role of this variant in disease. Therefore, it has been classified as a Variant of Uncertain Significance.

GeneDx
Classification: Uncertain significance. Last evaluated: 2019-10-01. Review status: criteria provided, single submitter. Criteria: GeneDx Variant Classification Process June 2021. Collection method: clinical testing. Allele origin: germline. Affected: yes.
Comment: Not observed in large population cohorts (Lek et al., 2016); In silico analysis, which includes protein predictors and evolutionary conservation, supports a deleterious effect; Has not been previously published as pathogenic or benign to our knowledge

NM_001244008.2(KIF1A):c.3515C>T (p.Pro1172Leu)

Gene: KIF1A (kinesin family member 1A; minus strand). Cytogenetic location: 2q37.3.
Variant type: single nucleotide variant.
Coding change: c.3515C>T on transcript NM_001244008.2 (MANE Select); coding-DNA position 3515, C replaced by T.
Protein change: p.Pro1172Leu; replaces proline 1172 with leucine.
Molecular consequence: missense variant.
Genome position (GRCh38, 1-based): chr2:240,744,011, G>A on the plus strand (C>T on the coding strand, the complement: KIF1A is on the minus strand). VCF-style: chr2-240744011-G-A. GRCh37 (hg19) VCF-style: chr2-241683428-G-A.
Other names: c.3239C>T, p.Pro1080Leu (NM_001320705.2, NM_001330289.2, NM_001379638.1); c.3314C>T, p.Pro1105Leu (NM_001330290.2, NM_001379634.1, NM_001379635.1 and 1 more transcripts); c.3590C>T, p.Pro1197Leu (NM_001379631.1); c.3464C>T, p.Pro1155Leu (NM_001379632.1); c.3488C>T, p.Pro1163Leu (NM_001379633.1, NM_001379642.1, NM_001379645.1); c.3212C>T, p.Pro1071Leu (NM_001379636.1, NM_001379639.1, NM_001379641.1 and 5 more transcripts); c.3287C>T, p.Pro1096Leu (NM_001379637.1, NM_001379648.1); c.3209C>T, p.Pro1070Leu (NM_001379640.1); short protein forms P1096L, P1070L, P1071L, P1105L, P1172L, P1197L, P1080L, P1163L.
Identifiers: ClinVar variation 948665 (VCV000948665.11), dbSNP rs2048306205, ClinGen allele CA351316857.
Genomic context (GRCh38, chr2:240,744,011, plus strand): 5'-TCCTTGCAGAGGGGCGGGAACGGGTGCTGCTGGTAGTGGCCAAAGACCTCGAAAACAATG[G>A]GCTGGCTCTTGATGTACTCAATGAAGGACTTGGTCACCTCCACTGCGATCTGGTGGGCAG-3'
Protein context (NP_001230937.1, residues 1162-1182): KSFIEYIKSQ[Pro1172Leu]IVFEVFGHYQ